The following is an entry in ClinVar:

ClinVar aggregate classification (germline): Uncertain significance (1 of 4 stars; one submission).

Conditions:
Inborn genetic diseases. Identifiers: MedGen C0950123, MeSH D030342.

Submission:

Ambry Genetics
Classification: Uncertain significance for Inborn genetic diseases. Last evaluated: 2024-10-02. Review status: criteria provided, single submitter. Criteria: Ambry Variant Classification Scheme 2023. Collection method: clinical testing. Allele origin: germline.
Comment: The p.H324N variant (also known as c.970C>A), located in coding exon 8 of the BMPR2 gene, results from a C to A substitution at nucleotide position 970. The histidine at codon 324 is replaced by asparagine, an amino acid with similar properties. This amino acid position is conserved. In addition, this alteration is predicted to be tolerated by in silico analysis. Based on the available evidence, the clinical significance of this variant remains unclear.

NM_001204.7(BMPR2):c.970C>A (p.His324Asn)

Gene: BMPR2 (bone morphogenetic protein receptor type 2; plus strand). Cytogenetic location: 2q33.2.
Variant type: single nucleotide variant.
Coding change: c.970C>A on transcript NM_001204.7 (MANE Select); coding-DNA position 970, C replaced by A.
Protein change: p.His324Asn; replaces histidine 324 with asparagine.
Molecular consequence: missense variant.
Genome position (GRCh38, 1-based): chr2:202,530,796, C>A. VCF-style: chr2-202530796-C-A. GRCh37 (hg19) VCF-style: chr2-203395519-C-A.
Other names: short protein forms H324N.
Identifiers: ClinVar variation 3481263 (VCV003481263.1).